The following is an entry in ClinVar:

ClinVar aggregate classification (germline): Uncertain significance. Review status: criteria provided, multiple submitters, no conflicts (2 of 4 stars). 3 submissions from 3 submitters: Uncertain significance (3). Last evaluated 2024-08-12.

Conditions:
Lethal congenital glycogen storage disease of heart. Also called: GLYCOGEN STORAGE DISEASE OF HEART; PHOSPHORYLASE KINASE DEFICIENCY OF HEART. Identifiers: Orphanet 439854, MedGen C1849813, MONDO:0009867, OMIM 261740.
Hypertrophic cardiomyopathy 6. Identifiers: MedGen C1833236, MONDO:0010946, OMIM 600858.
Wolff-Parkinson-White pattern. Also called: WPW SYNDROME; Auriculoventricular accessory pathway syndrome; False bundle branch block syndrome; Anomalous ventricular excitation syndrome. Identifiers: MedGen C0043202, MONDO:0008685, OMIM 194200, HP:0001716.
Cardiomyopathy (CMYO). Also called: Cardiomyopathies. Identifiers: Orphanet 167848, MedGen C0878544, MONDO:0004994, HP:0001638. Inheritance: Various modes of inheritance.

Allele frequency attached by ClinVar (database versions not stated): gnomAD exomes 0.00001; TOPMed 0.00001.
gnomAD v4.1: 3 of 1,602,764 alleles (0.00019%); highest among the groups gnomAD compares: East Asian, 0.0045%; no homozygotes.

Submissions (3):

Color Diagnostics, LLC DBA Color Health
Classification: Uncertain significance for Cardiomyopathy. Last evaluated: 2024-08-12. Review status: criteria provided, single submitter. Criteria: ACMG Guidelines, 2015. Collection method: clinical testing. Allele origin: germline.
Comment: This variant causes a C to T nucleotide substitution at the -3 position of intron 2 of the PRKAG2 gene. To our knowledge, functional studies have not been reported for this variant. This variant has not been reported in individuals affected with PRKAG2-related disorders in the literature. This variant has been identified in 3/225264 chromosomes in the general population by the Genome Aggregation Database (gnomAD). The available evidence is insufficient to determine the role of this variant in disease conclusively. Therefore, this variant is classified as a Variant of Uncertain Significance.

Fulgent Genetics
Classification: Uncertain significance for Wolff-Parkinson-White pattern; Lethal congenital glycogen storage disease of heart; Hypertrophic cardiomyopathy 6. Last evaluated: 2021-08-25. Review status: criteria provided, single submitter. Criteria: ACMG Guidelines, 2015. Collection method: clinical testing. Allele origin: unknown.

Labcorp Genetics (formerly Invitae), Labcorp
Classification: Uncertain significance for Lethal congenital glycogen storage disease of heart. Last evaluated: 2020-03-25. Review status: criteria provided, single submitter. Criteria: Invitae Variant Classification Sherloc (09022015). Collection method: clinical testing. Allele origin: germline.
Comment: This sequence change falls in intron 2 of the PRKAG2 gene. It does not directly change the encoded amino acid sequence of the PRKAG2 protein, but it affects a nucleotide within the consensus splice site of the intron. This variant is not present in population databases (ExAC no frequency). This variant has not been reported in the literature in individuals with PRKAG2-related conditions. Nucleotide substitutions within the consensus splice site are a relatively common cause of aberrant splicing (PMID: 17576681, 9536098). Algorithms developed to predict the effect of sequence changes on RNA splicing suggest that this variant may create or strengthen a splice site, but this prediction has not been confirmed by published transcriptional studies. In summary, the available evidence is currently insufficient to determine the role of this variant in disease. Therefore, it has been classified as a Variant of Uncertain Significance.

Literature cited by the submitters: PubMed 17576681 (cited by Labcorp Genetics (formerly Invitae), Labcorp); PubMed 9536098 (cited by Labcorp Genetics (formerly Invitae), Labcorp).

NM_016203.4(PRKAG2):c.187-3C>T

Gene: PRKAG2 (protein kinase AMP-activated non-catalytic subunit gamma 2; minus strand). Cytogenetic location: 7q36.1.
Variant type: single nucleotide variant.
Coding change: c.187-3C>T on transcript NM_016203.4 (MANE Select); 3 bases into the intron before coding-DNA position 187, C replaced by T.
Molecular consequence: intron variant.
Genome position (GRCh38, 1-based): chr7:151,781,434, G>A on the plus strand (C>T on the coding strand, the complement: PRKAG2 is on the minus strand). VCF-style: chr7-151781434-G-A. GRCh37 (hg19) VCF-style: chr7-151478520-G-A.
Other names: c.55-3C>T (NM_001040633.2).
Identifiers: ClinVar variation 1000417 (VCV001000417.4), dbSNP rs972389122, ClinGen allele CA169172057.